The following is an entry in ClinVar:

ClinVar aggregate classification (germline): Uncertain significance (1 of 4 stars; one submission).

Conditions:
Developmental and epileptic encephalopathy. Identifiers: MedGen C5779964, MONDO:0100620.

Submission:

Labcorp Genetics (formerly Invitae), Labcorp
Classification: Uncertain significance for Early-infantile DEE. Last evaluated: 2020-07-10. Review status: criteria provided, single submitter. Criteria: Invitae Variant Classification Sherloc (09022015). Collection method: clinical testing. Allele origin: germline.
Comment: This variant results in a copy number gain of the genomic region encompassing the full coding sequence of the HCN1 gene. The boundaries of this event are unknown as they extend beyond the assayed region for this gene and therefore may encompass additional genes. As the precise location of this event is unknown, it may be in tandem or it may be located elsewhere in the genome. This variant has not been reported in the literature in individuals with HCN1-related conditions. Experimental studies and prediction algorithms are not available or were not evaluated for this variant, and the functional significance of this variant is currently unknown. In summary, the available evidence is currently insufficient to determine the role of this variant in disease. Therefore, it has been classified as a Variant of Uncertain Significance.

NC_000005.9:g.(?_44305097)_(45696195_?)dup

Genes: FGF10 (fibroblast growth factor 10; minus strand), HCN1 (hyperpolarization activated cyclic nucleotide gated potassium channel 1; minus strand), MRPS30 (mitochondrial ribosomal protein S30; plus strand). Cytogenetic location: 5p12.
Variant type: Duplication.
Identifiers: ClinVar variation 1042586 (VCV001042586.2).